The following is an entry in ClinVar:

NM_001367805.3(KIF23):c.1900G>A (p.Glu634Lys)

Gene: KIF23 (kinesin family member 23; plus strand). Cytogenetic location: 15q23.
Variant type: single nucleotide variant.
Coding change: c.1900G>A on transcript NM_001367805.3 (MANE Select); coding-DNA position 1900, G replaced by A.
Protein change: p.Glu634Lys; replaces glutamic acid 634 with lysine.
Molecular consequence: missense variant. On other transcripts: non-coding transcript variant (2).
Genome position (GRCh38, 1-based): chr15:69,440,048, G>A. VCF-style: chr15-69440048-G-A. GRCh37 (hg19) VCF-style: chr15-69732387-G-A.
Other names: c.1528G>A, p.Glu510Lys (NM_001281301.2); c.1858G>A, p.Glu620Lys (NM_001367804.2, NM_004856.7, NM_138555.4); short protein forms E510K, E620K, E634K.
Identifiers: ClinVar variation 3114678 (VCV003114678.4), dbSNP rs756821487, ClinGen allele CA272525598.

ClinVar aggregate classification (germline): Uncertain significance. Review status: criteria provided, multiple submitters, no conflicts (2 of 4 stars). 3 submissions from 3 submitters: Uncertain significance (3). Last evaluated 2024-10-26.

Allele frequency attached by ClinVar (database versions not stated): gnomAD 0.00002; TOPMed 0.00003; gnomAD exomes 0.00008.
gnomAD v4.1: 116 of 1,613,680 alleles (0.0072%); highest among the groups gnomAD compares: Non-Finnish European, 0.0097%; no homozygotes.

Submissions (3):

Labcorp Genetics (formerly Invitae), Labcorp
Classification: Uncertain significance. Last evaluated: 2024-10-26. Review status: criteria provided, single submitter. Criteria: Invitae Variant Classification Sherloc (09022015). Collection method: clinical testing. Allele origin: germline.
Comment: This sequence change replaces glutamic acid, which is acidic and polar, with lysine, which is basic and polar, at codon 620 of the KIF23 protein (p.Glu620Lys). This variant is present in population databases (rs756821487, gnomAD 0.002%). This variant has not been reported in the literature in individuals affected with KIF23-related conditions. Invitae Evidence Modeling of protein sequence and biophysical properties (such as structural, functional, and spatial information, amino acid conservation, physicochemical variation, residue mobility, and thermodynamic stability) indicates that this missense variant is not expected to disrupt KIF23 protein function with a negative predictive value of 80%. In summary, the available evidence is currently insufficient to determine the role of this variant in disease. Therefore, it has been classified as a Variant of Uncertain Significance.

Revvity Omics, Revvity
Classification: Uncertain significance. Last evaluated: 2024-02-26. Review status: criteria provided, single submitter. Criteria: ACMG Guidelines, 2015. Collection method: clinical testing. Allele origin: germline.

Ambry Genetics
Classification: Uncertain significance. Last evaluated: 2023-09-26. Review status: criteria provided, single submitter. Criteria: Ambry Variant Classification Scheme 2023. Collection method: clinical testing. Allele origin: germline.